The following is an entry in ClinVar:

ClinVar aggregate classification (germline): Conflicting classifications of pathogenicity. Review status: criteria provided, conflicting classifications (1 of 4 stars). 2 submissions from 2 submitters: Uncertain significance (1); Likely benign (1). Last evaluated 2020-11-11.

Conditions:
Tuberous sclerosis 2 (TSC2). Identifiers: Orphanet 805, MedGen C1860707, MONDO:0013199, OMIM 613254.
Hereditary cancer-predisposing syndrome. Also called: Tumor predisposition; Hereditary neoplastic syndrome; Neoplastic Syndromes, Hereditary; Hereditary Cancer Syndrome. Identifiers: Orphanet 140162, MedGen C0027672, MeSH D009386, MONDO:0015356.

gnomAD v4.1: 1 of 1,610,106 alleles (0.000062%); highest among the groups gnomAD compares: Non-Finnish European, 0.000085%; no homozygotes.

Submissions (2):

Ambry Genetics
Classification: Likely benign for Hereditary cancer-predisposing syndrome. Last evaluated: 2020-11-11. Review status: criteria provided, single submitter. Criteria: Ambry Variant Classification Scheme 2023. Collection method: clinical testing. Allele origin: germline.

Labcorp Genetics (formerly Invitae), Labcorp
Classification: Uncertain significance for Tuberous sclerosis 2. Last evaluated: 2020-11-04. Review status: criteria provided, single submitter. Criteria: Invitae Variant Classification Sherloc (09022015). Collection method: clinical testing. Allele origin: germline.
Comment: This sequence change replaces glycine with glutamic acid at codon 1316 of the TSC2 protein (p.Gly1316Glu). The glycine residue is weakly conserved and there is a moderate physicochemical difference between glycine and glutamic acid. This variant is not present in population databases (ExAC no frequency). This variant has not been reported in the literature in individuals with TSC2-related disease. Algorithms developed to predict the effect of missense changes on protein structure and function output the following: SIFT: "Tolerated"; PolyPhen-2: "Benign"; Align-GVGD: "Class C0". The glutamic acid amino acid residue is found in multiple mammalian species, suggesting that this missense change does not adversely affect protein function. These predictions have not been confirmed by published functional studies and their clinical significance is uncertain. In summary, the available evidence is currently insufficient to determine the role of this variant in disease. Therefore, it has been classified as a Variant of Uncertain Significance.

NM_000548.5(TSC2):c.3947G>A (p.Gly1316Glu)

Gene: TSC2 (TSC complex subunit 2; plus strand). Cytogenetic location: 16p13.3.
Variant type: single nucleotide variant.
Coding change: c.3947G>A on transcript NM_000548.5 (MANE Select); coding-DNA position 3947, G replaced by A.
Protein change: p.Gly1316Glu; replaces glycine 1316 with glutamic acid.
Molecular consequence: missense variant.
Genome position (GRCh38, 1-based): chr16:2,083,758, G>A. VCF-style: chr16-2083758-G-A. GRCh37 (hg19) VCF-style: chr16-2133759-G-A.
Other names: c.3746G>A, p.Gly1249Glu (NM_001077183.3); c.3878G>A, p.Gly1293Glu (NM_001114382.3); c.3638G>A, p.Gly1213Glu (NM_001318827.2); c.3602G>A, p.Gly1201Glu (NM_001318829.2); c.3215G>A, p.Gly1072Glu (NM_001318831.2); c.3779G>A, p.Gly1260Glu (NM_001318832.2); c.3749G>A, p.Gly1250Glu (NM_001363528.2); c.3815G>A, p.Gly1272Glu (NM_001370404.1); and 1 more; short protein forms G1072E, G1272E, G1273E, G1316E, G1249E, G1293E, G1201E, G1213E.
Identifiers: ClinVar variation 1383306 (VCV001383306.10), dbSNP rs1555513513, ClinGen allele CA394297381.